The following is an entry in ClinVar:

NM_004463.3(FGD1):c.2178G>A (p.Thr726=)

Gene: FGD1 (FYVE, RhoGEF and PH domain containing 1; minus strand). Cytogenetic location: Xp11.22.
Variant type: single nucleotide variant.
Coding change: c.2178G>A on transcript NM_004463.3 (MANE Select); coding-DNA position 2178, G replaced by A.
Protein change: p.Thr726=; no amino-acid change (threonine 726 retained).
Molecular consequence: synonymous variant.
Genome position (GRCh38, 1-based): chrX:54,449,239, C>T on the plus strand (G>A on the coding strand, the complement: FGD1 is on the minus strand). VCF-style: chrX-54449239-C-T. GRCh37 (hg19) VCF-style: chrX-54475672-C-T.
Other names: c.2178G>A (NM_004463.2).
Identifiers: ClinVar variation 2660666 (VCV002660666.28), dbSNP rs144498939, ClinGen allele CA10424988.

ClinVar aggregate classification (germline): Benign/Likely benign. Review status: criteria provided, multiple submitters, no conflicts (2 of 4 stars). 3 submissions from 3 submitters: Benign (1); Likely benign (1). 1 of the submissions does not count toward it. Last evaluated 2025-06-04.

Conditions:
FGD1-related disorder. Also called: FGD1-related condition; FGD1-related disorders.

Allele frequency attached by ClinVar (database versions not stated): gnomAD exomes 0.00007; ESP Exome Variant Server 0.00009; ExAC 0.00014.
gnomAD v4.1: 83 of 1,210,215 alleles (0.0069%); highest among the groups gnomAD compares: Middle Eastern, 0.069%; no homozygotes.

Submissions (3):

Labcorp Genetics (formerly Invitae), Labcorp
Classification: Benign. Last evaluated: 2025-06-04. Review status: criteria provided, single submitter. Criteria: Invitae Variant Classification Sherloc (09022015). Collection method: clinical testing. Allele origin: germline.

CeGaT Center for Human Genetics Tuebingen
Classification: Likely benign. Last evaluated: 2022-07-01. Review status: criteria provided, single submitter. Criteria: CeGaT Center For Human Genetics Tuebingen Variant Classification Criteria Version 2. Collection method: clinical testing. Allele origin: germline. Affected: yes. Observed: 1 variant allele.
Comment: FGD1: BP4, BP7

PreventionGenetics, part of Exact Sciences
Classification: Likely benign for FGD1-related condition. Last evaluated: 2019-08-27. Review status: no assertion criteria provided. Collection method: clinical testing. Allele origin: germline. Not counted in ClinVar's aggregate classification.
Comment: This variant is classified as likely benign based on ACMG/AMP sequence variant interpretation guidelines (Richards et al. 2015 PMID: 25741868, with internal and published modifications).